The following is an entry in ClinVar:

NM_001378454.1(ALMS1):c.11548G>T (p.Val3850Leu)

Gene: ALMS1 (ALMS1 centrosome and basal body associated protein; plus strand). Cytogenetic location: 2p13.1.
Variant type: single nucleotide variant.
Coding change: c.11548G>T on transcript NM_001378454.1 (MANE Select); coding-DNA position 11548, G replaced by T.
Protein change: p.Val3850Leu; replaces valine 3850 with leucine.
Molecular consequence: missense variant.
Genome position (GRCh38, 1-based): chr2:73,599,401, G>T. VCF-style: chr2-73599401-G-T. GRCh37 (hg19) VCF-style: chr2-73826528-G-T.
Other names: c.11551G>T, p.Val3851Leu (NM_015120.4); short protein forms V3851L, V3850L.
Identifiers: ClinVar variation 1909297 (VCV001909297.4), dbSNP rs759185777, ClinGen allele CA347262736.

ClinVar aggregate classification (germline): Uncertain significance. Review status: criteria provided, multiple submitters, no conflicts (2 of 4 stars). 3 submissions from 3 submitters: Uncertain significance (3). Last evaluated 2024-06-12.

Conditions:
Alstrom syndrome (ALMS). Identifiers: Orphanet 64, MedGen C0268425, MONDO:0008763, OMIM 203800.
Cardiovascular phenotype. Identifiers: MedGen CN230736.

gnomAD v4.1: 12 of 1,612,678 alleles (0.00074%); highest among the groups gnomAD compares: South Asian, 0.0011%; no homozygotes.

Submissions (3):

Blueprint Genetics
Classification: Uncertain significance. Last evaluated: 2024-06-12. Review status: criteria provided, single submitter. Criteria: ACMG Guidelines, 2015. Collection method: clinical testing. Allele origin: germline.

Ambry Genetics
Classification: Uncertain significance for Cardiovascular phenotype. Last evaluated: 2024-04-27. Review status: criteria provided, single submitter. Criteria: Ambry Variant Classification Scheme 2023. Collection method: clinical testing. Allele origin: germline.
Comment: The p.V3851L variant (also known as c.11551G>T), located in coding exon 17 of the ALMS1 gene, results from a G to T substitution at nucleotide position 11551. The valine at codon 3851 is replaced by leucine, an amino acid with highly similar properties. This amino acid position is well conserved in available vertebrate species. In addition, this alteration is predicted to be tolerated by in silico analysis. Based on the available evidence, the clinical significance of this variant remains unclear.

Labcorp Genetics (formerly Invitae), Labcorp
Classification: Uncertain significance for Alstrom syndrome. Last evaluated: 2022-04-29. Review status: criteria provided, single submitter. Criteria: Invitae Variant Classification Sherloc (09022015). Collection method: clinical testing. Allele origin: germline.
Comment: This sequence change replaces valine, which is neutral and non-polar, with leucine, which is neutral and non-polar, at codon 3851 of the ALMS1 protein (p.Val3851Leu). This variant is present in population databases (no rsID available, gnomAD 0.003%). This variant has not been reported in the literature in individuals affected with ALMS1-related conditions. Experimental studies and prediction algorithms are not available or were not evaluated, and the functional significance of this variant is currently unknown. Algorithms developed to predict the effect of sequence changes on RNA splicing suggest that this variant may disrupt the consensus splice site. In summary, the available evidence is currently insufficient to determine the role of this variant in disease. Therefore, it has been classified as a Variant of Uncertain Significance.